The following is an entry in ClinVar:

NM_001142966.3(GREB1L):c.4732G>A (p.Val1578Met)

Gene: GREB1L (GREB1 like retinoic acid receptor coactivator; plus strand). Cytogenetic location: 18q11.2.
Variant type: single nucleotide variant.
Coding change: c.4732G>A on transcript NM_001142966.3 (MANE Select); coding-DNA position 4732, G replaced by A.
Protein change: p.Val1578Met; replaces valine 1578 with methionine.
Molecular consequence: missense variant.
Genome position (GRCh38, 1-based): chr18:21,508,588, G>A. VCF-style: chr18-21508588-G-A. GRCh37 (hg19) VCF-style: chr18-19088549-G-A.
Other names: c.4861G>A, p.Val1621Met (NM_001410867.1); c.4405G>A, p.Val1469Met (NM_001410868.1); short protein forms V1578M, V1469M, V1621M.
Identifiers: ClinVar variation 4747759 (VCV004747759.1).
Genomic context (GRCh38, chr18:21,508,588, plus strand): 5'-CGCAAGTACTGGCCCAACCACATCATGCTGGTGCTTCCCGGCATGTTCAATAATGCAGGC[G>A]TGGGTAAGGGGCCCCCCTGGGATGGGGAGAAGGGCTTCGAAGATAAACTGAGCTCCATTC-3'
Protein context (NP_001136438.1, residues 1568-1588): VLPGMFNNAG[Val1578Met]GAARFLIKEL

ClinVar aggregate classification (germline): Uncertain significance (1 of 4 stars; one submission).

gnomAD v4.1: 32 of 1,551,318 alleles (0.0021%); highest among the groups gnomAD compares: East Asian, 0.0049%; no homozygotes.

Submission:

Labcorp Genetics (formerly Invitae), Labcorp
Classification: Uncertain significance. Last evaluated: 2026-01-05. Review status: criteria provided, single submitter. Criteria: Invitae Variant Classification Sherloc (09022015). Collection method: clinical testing. Allele origin: germline.
Comment: This sequence change replaces valine, which is neutral and non-polar, with methionine, which is neutral and non-polar, at codon 1578 of the GREB1L protein (p.Val1578Met). This variant is present in population databases (no rsID available, gnomAD 0.008%). This variant has not been reported in the literature in individuals affected with GREB1L-related conditions. An algorithm developed to predict the effect of missense changes on protein structure and function (PolyPhen-2) suggests that this variant is likely to be disruptive. In summary, the available evidence is currently insufficient to determine the role of this variant in disease. Therefore, it has been classified as a Variant of Uncertain Significance.